The following is an entry in ClinVar:

ClinVar aggregate classification (germline): Uncertain significance (1 of 4 stars; one submission).

gnomAD v4.1: 2 of 1,462,494 alleles (0.00014%); highest among the groups gnomAD compares: Non-Finnish European, 0.00018%; no homozygotes.

Submission:

Labcorp Genetics (formerly Invitae), Labcorp
Classification: Uncertain significance. Last evaluated: 2025-03-17. Review status: criteria provided, single submitter. Criteria: Invitae Variant Classification Sherloc (09022015). Collection method: clinical testing. Allele origin: germline.
Comment: This sequence change replaces alanine, which is neutral and non-polar, with serine, which is neutral and polar, at codon 125 of the LEMD3 protein (p.Ala125Ser). This variant is not present in population databases (gnomAD no frequency). This variant has not been reported in the literature in individuals affected with LEMD3-related conditions. ClinVar contains an entry for this variant (Variation ID: 1915901). An algorithm developed to predict the effect of missense changes on protein structure and function outputs the following: PolyPhen-2: "Benign". The serine amino acid residue is found in multiple mammalian species, which suggests that this missense change does not adversely affect protein function. In summary, the available evidence is currently insufficient to determine the role of this variant in disease. Therefore, it has been classified as a Variant of Uncertain Significance.

NM_014319.5(LEMD3):c.373G>T (p.Ala125Ser)

Genes: LEMD3 (LEM domain containing 3; plus strand), LOC130008224 (ATAC-STARR-seq lymphoblastoid silent region 4630; plus strand). Cytogenetic location: 12q14.3.
Variant type: single nucleotide variant.
Coding change: c.373G>T on transcript NM_014319.5 (MANE Select); coding-DNA position 373, G replaced by T.
Protein change: p.Ala125Ser; replaces alanine 125 with serine.
Molecular consequence: missense variant.
Genome position (GRCh38, 1-based): chr12:65,169,969, G>T. VCF-style: chr12-65169969-G-T. GRCh37 (hg19) VCF-style: chr12-65563749-G-T.
Other names: c.373G>T, p.Ala125Ser (NM_001167614.2); short protein forms A125S.
Identifiers: ClinVar variation 1915901 (VCV001915901.5), dbSNP rs1348064271, ClinGen allele CA385672831.
Genomic context (GRCh38, chr12:65,169,969, plus strand): 5'-GGGGGCCTGTGCCGAATCTCGGCCTCTGGCCCAGAGAGCCTCCTGGGAGGGCCCGGGGGC[G>T]CCTCCGCCGCCCCCGCGGCTGGCAGCAAAGTGCTGCTGGGCTTCAGCTCGGACGAGTCGG-3'
Protein context (NP_055134.2, residues 115-135): PESLLGGPGG[Ala125Ser]SAAPAAGSKV